The following is an entry in ClinVar:

NM_004526.4(MCM2):c.2362G>A (p.Glu788Lys)

Genes: MCM2 (minichromosome maintenance complex component 2; plus strand), LOC107986126 (uncharacterized LOC107986126; minus strand). Cytogenetic location: 3q21.3.
Variant type: single nucleotide variant.
Coding change: c.2362G>A on transcript NM_004526.4 (MANE Select); coding-DNA position 2362, G replaced by A.
Protein change: p.Glu788Lys; replaces glutamic acid 788 with lysine.
Molecular consequence: missense variant. On other transcripts: non-coding transcript variant (1).
Genome position (GRCh38, 1-based): chr3:127,620,794, G>A. VCF-style: chr3-127620794-G-A. GRCh37 (hg19) VCF-style: chr3-127339637-G-A.
Other names: short protein forms E788K.
Identifiers: ClinVar variation 1937136 (VCV001937136.5), dbSNP rs1235028296, ClinGen allele CA354395655.

ClinVar aggregate classification (germline): Uncertain significance (1 of 4 stars; one submission).

Allele frequency attached by ClinVar (database versions not stated): TOPMed below 0.00001; gnomAD 0.00001; gnomAD exomes 0.00002.
gnomAD v4.1: 28 of 1,614,032 alleles (0.0017%); highest among the groups gnomAD compares: Admixed American, 0.0033%; no homozygotes.

Submission:

Labcorp Genetics (formerly Invitae), Labcorp
Classification: Uncertain significance. Last evaluated: 2022-02-03. Review status: criteria provided, single submitter. Criteria: Invitae Variant Classification Sherloc (09022015). Collection method: clinical testing. Allele origin: germline.
Comment: In summary, the available evidence is currently insufficient to determine the role of this variant in disease. Therefore, it has been classified as a Variant of Uncertain Significance. Algorithms developed to predict the effect of missense changes on protein structure and function are either unavailable or do not agree on the potential impact of this missense change (SIFT: "Tolerated"; PolyPhen-2: "Possibly Damaging"; Align-GVGD: "Class C0"). This variant has not been reported in the literature in individuals affected with MCM2-related conditions. This variant is present in population databases (no rsID available, gnomAD 0.003%). This sequence change replaces glutamic acid, which is acidic and polar, with lysine, which is basic and polar, at codon 788 of the MCM2 protein (p.Glu788Lys).